The following is an entry in ClinVar:

ClinVar aggregate classification (germline): Uncertain significance. Review status: criteria provided, multiple submitters, no conflicts (2 of 4 stars). 2 submissions from 2 submitters: Uncertain significance (2). Last evaluated 2024-08-24.

Conditions:
Hereditary cancer-predisposing syndrome. Also called: Hereditary neoplastic syndrome; Hereditary Cancer Syndrome; Neoplastic Syndromes, Hereditary; Tumor predisposition. Identifiers: Orphanet 140162, MedGen C0027672, MeSH D009386, MONDO:0015356.
Fanconi anemia complementation group O. Also called: RAD51C-Related Fanconi Anemia. Identifiers: Orphanet 84, MedGen C3150653, MONDO:0013248, OMIM 613390.

Submissions (2):

Ambry Genetics
Classification: Uncertain significance for Hereditary cancer-predisposing syndrome. Last evaluated: 2024-08-24. Review status: criteria provided, single submitter. Criteria: Ambry Variant Classification Scheme 2023. Collection method: clinical testing. Allele origin: germline.
Comment: The p.S20Y variant (also known as c.59C>A), located in coding exon 1 of the RAD51C gene, results from a C to A substitution at nucleotide position 59. The serine at codon 20 is replaced by tyrosine, an amino acid with dissimilar properties. This amino acid position is conserved. In addition, this alteration is predicted to be tolerated by in silico analysis. Based on the available evidence, the clinical significance of this variant remains unclear.

Labcorp Genetics (formerly Invitae), Labcorp
Classification: Uncertain significance for Fanconi anemia complementation group O. Last evaluated: 2023-03-27. Review status: criteria provided, single submitter. Criteria: Invitae Variant Classification Sherloc (09022015). Collection method: clinical testing. Allele origin: germline.
Comment: This sequence change replaces serine, which is neutral and polar, with tyrosine, which is neutral and polar, at codon 20 of the RAD51C protein (p.Ser20Tyr). In summary, the available evidence is currently insufficient to determine the role of this variant in disease. Therefore, it has been classified as a Variant of Uncertain Significance. Advanced modeling of protein sequence and biophysical properties (such as structural, functional, and spatial information, amino acid conservation, physicochemical variation, residue mobility, and thermodynamic stability) performed at Invitae indicates that this missense variant is not expected to disrupt RAD51C protein function. ClinVar contains an entry for this variant (Variation ID: 1366390). This variant has not been reported in the literature in individuals affected with RAD51C-related conditions. This variant is not present in population databases (gnomAD no frequency).

NM_058216.3(RAD51C):c.59C>A (p.Ser20Tyr)

Gene: RAD51C (RAD51 paralog C; plus strand). Cytogenetic location: 17q22.
Variant type: single nucleotide variant.
Coding change: c.59C>A on transcript NM_058216.3 (MANE Select); coding-DNA position 59, C replaced by A.
Protein change: p.Ser20Tyr; replaces serine 20 with tyrosine.
Molecular consequence: missense variant. On other transcripts: non-coding transcript variant (1).
Genome position (GRCh38, 1-based): chr17:58,692,702, C>A. VCF-style: chr17-58692702-C-A. GRCh37 (hg19) VCF-style: chr17-56770063-C-A.
Other names: c.59C>A, p.Ser20Tyr (NM_002876.4); c.59C>A (NM_058216.1); short protein forms S20Y.
Identifiers: ClinVar variation 1366390 (VCV001366390.7), dbSNP rs786203944, ClinGen allele CA400336749.
Genomic context (GRCh38, chr17:58,692,702, plus strand): 5'-CGATGCGCGGGAAGACGTTCCGCTTTGAAATGCAGCGGGATTTGGTGAGTTTCCCGCTGT[C>A]TCCAGCGGTGCGGGTGAAGCTGGTGTCTGCGGGGTTCCAGACTGCTGAGGAACTCCTAGA-3'
Protein context (NP_478123.1, residues 10-30): MQRDLVSFPL[Ser20Tyr]PAVRVKLVSA